The following is an entry in ClinVar:

NM_024079.5(ALG8):c.547-319T>C

Gene: ALG8 (ALG8 alpha-1,3-glucosyltransferase; minus strand). Cytogenetic location: 11q14.1.
Variant type: single nucleotide variant.
Coding change: c.547-319T>C on transcript NM_024079.5 (MANE Select); 319 bases into the intron before coding-DNA position 547, T replaced by C.
Molecular consequence: intron variant. On other transcripts: synonymous variant (1).
Genome position (GRCh38, 1-based): chr11:78,114,711, A>G on the plus strand (T>C on the coding strand, the complement: ALG8 is on the minus strand). VCF-style: chr11-78114711-A-G. GRCh37 (hg19) VCF-style: chr11-77825757-A-G.
Other names: c.634T>C, p.Leu212= (NM_001425224.1); c.283-319T>C (NM_001425234.1, NM_001425239.1); c.346-319T>C (NM_001425231.1); c.394-319T>C (NM_001425235.1, NM_001425226.1, NM_001425236.1); c.532-319T>C (NM_001425220.1); c.31-319T>C (NM_001425241.1); c.546+4471T>C (NM_001425240.1); c.-4-324T>C (NM_001425242.1); and 2 more.
Identifiers: ClinVar variation 3778069 (VCV003778069.7).

ClinVar aggregate classification (germline): Likely benign (1 of 4 stars; one submission).

gnomAD v4.1: 150 of 436,322 alleles (0.034%); highest among the groups gnomAD compares: African/African-American, 0.28%; 1 homozygote.

Submission:

CeGaT Center for Human Genetics Tuebingen
Classification: Likely benign. Last evaluated: 2025-03-01. Review status: criteria provided, single submitter. Criteria: CeGaT Center For Human Genetics Tuebingen Variant Classification Criteria Version 2. Collection method: clinical testing. Allele origin: germline. Affected: yes. Observed: 1 variant allele.
Comment: ALG8: BP4, BP7